The following is an entry in ClinVar:

ClinVar aggregate classification (germline): Uncertain significance (1 of 4 stars; one submission).

Submission:

Women's Health and Genetics/Laboratory Corporation of America, LabCorp
Classification: Uncertain significance. Last evaluated: 2025-07-31. Review status: criteria provided, single submitter. Criteria: LabCorp Variant Classification Summary - May 2015. Collection method: clinical testing. Allele origin: germline.
Comment: Variant summary: The variant involves the duplication of exons 5-12 in the DMD gene. It is assumed to be a tandem duplication in direct orientation (PMIDs: 25640679, 30054569). This Copy Number Variant (CNV) is predicted to result in an in-frame duplication within this gene. A presumed nomenclature of c.(264+1_265-1)_(1482+1_1483-1)dup has been designated for the purposes of this classification. The variant was absent in 16120 control chromosomes. The available data on variant occurrences in the general population are insufficient to allow any conclusion about variant significance. Similar duplication has been observed in individual(s) affected with Becker muscular dystrophy (example: Tuffery-Giraud_2009, Kekou_2023). These report(s) do not provide unequivocal conclusions about association of the variant with Dystrophinopathies. To our knowledge, no experimental evidence demonstrating an impact on protein function has been reported. The following publications have been ascertained in the context of this evaluation (PMID: 19367636, 37754746). ClinVar contains an entry for this variant (Variation ID: 2424979). Based on the evidence outlined above, the variant was classified as uncertain significance.

Literature cited by the submitters: PubMed 19367636; PubMed 37754746.

NC_000023.10:g.(32613994_32632419)_(32841505_32862899)dup

Gene: DMD (dystrophin; minus strand). Cytogenetic location: Xp21.1.
Variant type: Duplication.
Identifiers: ClinVar variation 4526271 (VCV004526271.1).